The following is an entry in ClinVar:

ClinVar aggregate classification (germline): Uncertain significance. Review status: criteria provided, multiple submitters, no conflicts (2 of 4 stars). 2 submissions from 2 submitters: Uncertain significance (2). Last evaluated 2025-10-05.

Conditions:
Inborn genetic diseases. Identifiers: MedGen C0950123, MeSH D030342.
Brachyolmia-amelogenesis imperfecta syndrome. Also called: Tooth agenesis, selective, 6; Dental anomalies and short stature; PLATYSPONDYLY WITH AMELOGENESIS IMPERFECTA. Identifiers: Orphanet 2899, MedGen C1832594, MONDO:0011018, OMIM 601216. Disease mechanism: loss of function.

Allele frequency attached by ClinVar (database versions not stated): TOPMed 0.00001.

Submissions (2):

Labcorp Genetics (formerly Invitae), Labcorp
Classification: Uncertain significance for Brachyolmia-amelogenesis imperfecta syndrome. Last evaluated: 2025-10-05. Review status: criteria provided, single submitter. Criteria: Invitae Variant Classification Sherloc (09022015). Collection method: clinical testing. Allele origin: germline.
Comment: This sequence change replaces proline, which is neutral and non-polar, with arginine, which is basic and polar, at codon 1230 of the LTBP3 protein (p.Pro1230Arg). This variant is not present in population databases (gnomAD no frequency). This variant has not been reported in the literature in individuals affected with LTBP3-related conditions. ClinVar contains an entry for this variant (Variation ID: 1373288). An algorithm developed to predict the effect of missense changes on protein structure and function (PolyPhen-2) suggests that this variant is likely to be tolerated. In summary, the available evidence is currently insufficient to determine the role of this variant in disease. Therefore, it has been classified as a Variant of Uncertain Significance.

Ambry Genetics
Classification: Uncertain significance for Inborn genetic diseases. Last evaluated: 2025-03-14. Review status: criteria provided, single submitter. Criteria: Ambry Variant Classification Scheme 2023. Collection method: clinical testing. Allele origin: germline.
Comment: The p.P1230R variant (also known as c.3689C>G), located in coding exon 27 of the LTBP3 gene, results from a C to G substitution at nucleotide position 3689. The proline at codon 1230 is replaced by arginine, an amino acid with dissimilar properties. This amino acid position is conserved. In addition, this alteration is predicted to be tolerated by in silico analysis. Since supporting evidence is limited at this time, the clinical significance of this alteration remains unclear.

NM_001130144.3(LTBP3):c.3689C>G (p.Pro1230Arg)

Gene: LTBP3 (latent transforming growth factor beta binding protein 3; minus strand). Cytogenetic location: 11q13.1.
Variant type: single nucleotide variant.
Coding change: c.3689C>G on transcript NM_001130144.3 (MANE Select); coding-DNA position 3689, C replaced by G.
Protein change: p.Pro1230Arg; replaces proline 1230 with arginine.
Molecular consequence: missense variant.
Genome position (GRCh38, 1-based): chr11:65,539,399, G>C on the plus strand (C>G on the coding strand, the complement: LTBP3 is on the minus strand). VCF-style: chr11-65539399-G-C. GRCh37 (hg19) VCF-style: chr11-65306870-G-C.
Other names: c.3197C>G, p.Pro1066Arg (NM_001164266.1); c.3548C>G, p.Pro1183Arg (NM_021070.4); short protein forms P1066R, P1183R, P1230R.
Identifiers: ClinVar variation 1373288 (VCV001373288.9), dbSNP rs751706023, ClinGen allele CA6100199.
Genomic context (GRCh38, chr11:65,539,399, plus strand): 5'-GCGCGGGAGGCGTCGAGCTGGAAGCCGCCGGGACACTCGCACACGGCGCCGCCCGGCCGC[G>C]GCACGCAGCGGCCACTCACGCAGCGACACTCGTCTGAATCCTCCTCTGAACTGTCCTCAT-3'
Protein context (NP_001123616.1, residues 1220-1240): ECRCVSGRCV[Pro1230Arg]RPGGAVCECP